The following is an entry in ClinVar:

NM_006648.4(WNK2):c.1700C>T (p.Pro567Leu)

Gene: WNK2 (WNK lysine deficient protein kinase 2; plus strand). Cytogenetic location: 9q22.31.
Variant type: single nucleotide variant.
Coding change: c.1700C>T on transcript NM_006648.4 (MANE Select); coding-DNA position 1700, C replaced by T.
Protein change: p.Pro567Leu; replaces proline 567 with leucine.
Molecular consequence: missense variant.
Genome position (GRCh38, 1-based): chr9:93,247,700, C>T. VCF-style: chr9-93247700-C-T. GRCh37 (hg19) VCF-style: chr9-96009982-C-T.
Other names: c.1700C>T, p.Pro567Leu (NM_001282394.3); short protein forms P567L.
Identifiers: ClinVar variation 3470357 (VCV003470357.1).

ClinVar aggregate classification (germline): Uncertain significance (1 of 4 stars; one submission).

gnomAD v4.1: 69 of 1,564,918 alleles (0.0044%); highest among the groups gnomAD compares: East Asian, 0.05%; 1 homozygote.

Submission:

Ambry Genetics
Classification: Uncertain significance. Last evaluated: 2024-11-23. Review status: criteria provided, single submitter. Criteria: Ambry Variant Classification Scheme 2023. Collection method: clinical testing. Allele origin: germline.
Comment: The p.P567L variant (also known as c.1700C>T), located in coding exon 7 of the WNK2 gene, results from a C to T substitution at nucleotide position 1700. The proline at codon 567 is replaced by leucine, an amino acid with similar properties. This amino acid position is conserved. In addition, this alteration is predicted to be tolerated by in silico analysis. Based on the available evidence, the clinical significance of this variant remains unclear.